The following is an entry in ClinVar:

ClinVar aggregate classification (germline): Benign. Review status: criteria provided, multiple submitters, no conflicts (2 of 4 stars). 4 submissions from 4 submitters: Benign (3). 1 of the submissions does not count toward it. Last evaluated 2026-02-03.

Conditions:
Combined oxidative phosphorylation deficiency 40. Identifiers: Orphanet 570491, MedGen C5394232, MONDO:0030006, OMIM 618835.
QRSL1-related disorder. Also called: QRSL1-related condition.

Allele frequency attached by ClinVar (database versions not stated): 1000 Genomes Project 30x 0.33510; gnomAD exomes 0.48649 and 0.43825; ExAC 0.43883; TOPMed 0.41691; ESP Exome Variant Server 0.45033; 1000 Genomes Project 0.33367; gnomAD 0.42788 and 0.43247.
gnomAD v4.1: 773,821 of 1,613,450 alleles (48%); highest among the groups gnomAD compares: Non-Finnish European, 52%; 191,404 homozygotes.

Submissions (4):

Labcorp Genetics (formerly Invitae), Labcorp
Classification: Benign. Last evaluated: 2026-02-03. Review status: criteria provided, single submitter. Criteria: Invitae Variant Classification Sherloc (09022015). Collection method: clinical testing. Allele origin: germline.

Genome-Nilou Lab
Classification: Benign for Combined oxidative phosphorylation deficiency 40. Last evaluated: 2021-11-07. Review status: criteria provided, single submitter. Criteria: ACMG Guidelines, 2015. Collection method: clinical testing. Allele origin: germline. Affected: no.

GeneDx
Classification: Benign. Last evaluated: 2021-05-04. Review status: criteria provided, single submitter. Criteria: GeneDx Variant Classification Process June 2021. Collection method: clinical testing. Allele origin: germline. Affected: yes.

PreventionGenetics, part of Exact Sciences
Classification: Benign for QRSL1-related condition. Last evaluated: 2019-07-25. Review status: no assertion criteria provided. Collection method: clinical testing. Allele origin: germline. Not counted in ClinVar's aggregate classification.
Comment: This variant is classified as benign based on ACMG/AMP sequence variant interpretation guidelines (Richards et al. 2015 PMID: 25741868, with internal and published modifications).

NM_018292.5(QRSL1):c.1425G>A (p.Leu475=)

Gene: QRSL1 (glutaminyl-tRNA amidotransferase subunit QRSL1; plus strand). Cytogenetic location: 6q21.
Variant type: single nucleotide variant.
Coding change: c.1425G>A on transcript NM_018292.5 (MANE Select); coding-DNA position 1425, G replaced by A.
Protein change: p.Leu475=; no amino-acid change (leucine 475 retained).
Molecular consequence: synonymous variant.
Genome position (GRCh38, 1-based): chr6:106,665,840, G>A. VCF-style: chr6-106665840-G-A. GRCh37 (hg19) VCF-style: chr6-107113715-G-A.
Identifiers: ClinVar variation 1251173 (VCV001251173.14), dbSNP rs2015205, ClinGen allele CA3945031.